The following is an entry in ClinVar:

ClinVar aggregate classification (germline): Uncertain significance. Review status: criteria provided, multiple submitters, no conflicts (2 of 4 stars). 2 submissions from 2 submitters: Uncertain significance (2). Last evaluated 2026-09-01.

Allele frequency attached by ClinVar (database versions not stated): gnomAD 0.00001; ExAC 0.00002; ESP Exome Variant Server 0.00008.
gnomAD v4.1: 30 of 1,585,486 alleles (0.0019%); highest among the groups gnomAD compares: South Asian, 0.0023%; no homozygotes.

Submissions (2):

CeGaT Center for Human Genetics Tuebingen
Classification: Uncertain significance. Last evaluated: 2026-09-01. Review status: criteria provided, single submitter. Criteria: CeGaT Center For Human Genetics Tuebingen Variant Classification Criteria Version 2. Collection method: clinical testing. Allele origin: germline. Affected: yes. Observed: 1 variant allele.
Comment: CACNA1B: PM2, PP3

Labcorp Genetics (formerly Invitae), Labcorp
Classification: Uncertain significance. Last evaluated: 2022-07-01. Review status: criteria provided, single submitter. Criteria: Invitae Variant Classification Sherloc (09022015). Collection method: clinical testing. Allele origin: germline.
Comment: In summary, the available evidence is currently insufficient to determine the role of this variant in disease. Therefore, it has been classified as a Variant of Uncertain Significance. Algorithms developed to predict the effect of missense changes on protein structure and function are either unavailable or do not agree on the potential impact of this missense change (SIFT: "Deleterious"; PolyPhen-2: "Benign"; Align-GVGD: "Class C0"). This variant has not been reported in the literature in individuals affected with CACNA1B-related conditions. This variant is present in population databases (rs201481972, gnomAD 0.004%). This sequence change replaces alanine, which is neutral and non-polar, with valine, which is neutral and non-polar, at codon 756 of the CACNA1B protein (p.Ala756Val).

NM_000718.4(CACNA1B):c.2267C>T (p.Ala756Val)

Genes: CACNA1B (calcium voltage-gated channel subunit alpha1 B; plus strand), LOC108254695 (9q34.3 CACNA1B recombination region; plus strand). Cytogenetic location: 9q34.3.
Variant type: single nucleotide variant.
Coding change: c.2267C>T on transcript NM_000718.4 (MANE Select); coding-DNA position 2267, C replaced by T.
Protein change: p.Ala756Val; replaces alanine 756 with valine.
Molecular consequence: missense variant.
Genome position (GRCh38, 1-based): chr9:138,013,235, C>T. VCF-style: chr9-138013235-C-T. GRCh37 (hg19) VCF-style: chr9-140907687-C-T.
Other names: c.2267C>T, p.Ala756Val (NM_001243812.2); short protein forms A756V.
Identifiers: ClinVar variation 2079177 (VCV002079177.5), dbSNP rs201481972, ClinGen allele CA5376425.
Genomic context (GRCh38, chr9:138,013,235, plus strand): 5'-AAAAGGCCAAAGAAGTGGCTGAAGTCAGCCCCATGTCTGCCGCGAACATCTCCATCGCCG[C>T]GTAAGGCTCCTAGGAGTGGATTGTGGGGTGGCAGTGGGGCTGCTGCAGGGTCCCATGGCT-3'
Protein context (NP_000709.1, residues 746-766): PMSAANISIA[Ala756Val]RQQNSAKARS